The following is an entry in ClinVar:

NM_198576.4(AGRN):c.804C>T (p.Ala268=)

Gene: AGRN (agrin; plus strand). Cytogenetic location: 1p36.33.
Variant type: single nucleotide variant.
Coding change: c.804C>T on transcript NM_198576.4 (MANE Select); coding-DNA position 804, C replaced by T.
Protein change: p.Ala268=; no amino-acid change (alanine 268 retained).
Molecular consequence: synonymous variant.
Genome position (GRCh38, 1-based): chr1:1,041,249, C>T. VCF-style: chr1-1041249-C-T. GRCh37 (hg19) VCF-style: chr1-976629-C-T.
Other names: p.Ala268=; c.804C>T (LRG_198t1); c.804C>T, p.Ala268= (NM_001305275.2); c.489C>T, p.Ala163= (NM_001364727.2).
Identifiers: ClinVar variation 128320 (VCV000128320.20), dbSNP rs113789806, ClinGen allele CA151688.
Genomic context (GRCh38, chr1:1,041,249, plus strand): 5'-CTCCAACGTGACCTGCAGCTTCGGCAGCACCTGTGCGCGCTCGGCCGACGGGCTGACGGC[C>T]TCGTGCCTGTGCCCCGCGACCTGCCGTGGCGCCCCCGAGGGGACCGTCTGCGGCAGCGAC-3'
Protein context (NP_940978.2, residues 258-278): TCARSADGLT[Ala268=]SCLCPATCRG

ClinVar aggregate classification (germline): Benign. Review status: criteria provided, multiple submitters, no conflicts (2 of 4 stars). 6 submissions from 6 submitters: Benign (6). Last evaluated 2026-02-02.

Conditions:
Congenital myasthenic syndrome 8. Also called: Myasthenic syndrome, congenital, 8, with pre- and postsynaptic defects; MYASTHENIC SYNDROME, CONGENITAL, DUE TO AGRIN DEFICIENCY. Identifiers: Orphanet 590, MedGen C3808739, MONDO:0014052, OMIM 615120.

Allele frequency attached by ClinVar (database versions not stated): gnomAD exomes 0.00599 and 0.00421; ExAC 0.01003; 1000 Genomes Project 0.04113; gnomAD 0.04323 and 0.04656; 1000 Genomes Project 30x 0.04388; TOPMed 0.04980.
gnomAD v4.1: 12,638 of 1,496,312 alleles (0.84%); highest among the groups gnomAD compares: African/African-American, 14%; 746 homozygotes.

Submissions (6):

Labcorp Genetics (formerly Invitae), Labcorp
Classification: Benign for Congenital myasthenic syndrome 8. Last evaluated: 2026-02-02. Review status: criteria provided, single submitter. Criteria: Invitae Variant Classification Sherloc (09022015). Collection method: clinical testing. Allele origin: germline.

Athena Diagnostics
Classification: Benign. Last evaluated: 2024-10-29. Review status: criteria provided, single submitter. Criteria: Athena Diagnostics Criteria. Collection method: clinical testing. Allele origin: unknown.

Mayo Clinic Laboratories, Mayo Clinic
Classification: Benign. Last evaluated: 2022-03-23. Review status: criteria provided, single submitter. Criteria: ACMG Guidelines, 2015. Collection method: clinical testing. Allele origin: germline. Observed: 13 variant alleles.

GeneDx
Classification: Benign. Last evaluated: 2016-09-20. Review status: criteria provided, single submitter. Criteria: GeneDx Variant Classification (06012015). Collection method: clinical testing. Allele origin: germline. Affected: yes.
Comment: This variant is considered likely benign or benign based on one or more of the following criteria: it is a conservative change, it occurs at a poorly conserved position in the protein, it is predicted to be benign by multiple in silico algorithms, and/or has population frequency not consistent with disease.

Genetic Services Laboratory, University of Chicago
Classification: Benign for AllHighlyPenetrant. Last evaluated: 2013-08-15. Review status: criteria provided, single submitter. Criteria: ACMG Guidelines, 2007. Collection method: clinical testing. Allele origin: germline. Inheritance: Autosomal recessive inheritance.

Breakthrough Genomics
Classification: Benign. Review status: criteria provided, single submitter. Criteria: ACMG Guidelines, 2015. Collection method: not provided. Allele origin: germline. Inheritance: Autosomal recessive inheritance. Affected: yes.